The following is an entry in ClinVar:

ClinVar aggregate classification (germline): Uncertain significance. Review status: criteria provided, multiple submitters, no conflicts (2 of 4 stars). 2 submissions from 2 submitters: Uncertain significance (2). Last evaluated 2026-04-10.

Conditions:
Hypertrophic cardiomyopathy 26. Also called: Cardiomyopathy, familial hypertrophic, 26. Identifiers: Orphanet 75249, MedGen C4310749, MONDO:0014883, OMIM 617047.
Myofibrillar myopathy 5. Also called: Filaminopathy (type); FILAMINOPATHY, AUTOSOMAL DOMINANT. Identifiers: Orphanet 171445, MedGen C1836050, MONDO:0012289, OMIM 609524.
Distal myopathy with posterior leg and anterior hand involvement. Also called: WILLIAMS DISTAL MYOPATHY. Identifiers: Orphanet 63273, MedGen C3279722, MONDO:0013550, OMIM 614065.

Allele frequency attached by ClinVar (database versions not stated): TOPMed below 0.00001; gnomAD 0.00001; 1000 Genomes Project 30x 0.00016; 1000 Genomes Project 0.00020.
gnomAD v4.1: 2 of 1,613,292 alleles (0.00012%); highest among the groups gnomAD compares: African/African-American, 0.0027%; no homozygotes.

Submissions (2):

Women's Health and Genetics/Laboratory Corporation of America, LabCorp
Classification: Uncertain significance. Last evaluated: 2026-04-10. Review status: criteria provided, single submitter. Criteria: LabCorp Variant Classification Summary - May 2015. Collection method: clinical testing. Allele origin: germline.

Labcorp Genetics (formerly Invitae), Labcorp
Classification: Uncertain significance for Distal myopathy with posterior leg and anterior hand involvement; Myofibrillar myopathy 5; Hypertrophic cardiomyopathy 26. Last evaluated: 2025-11-30. Review status: criteria provided, single submitter. Criteria: Invitae Variant Classification Sherloc (09022015). Collection method: clinical testing. Allele origin: germline.
Comment: This sequence change replaces asparagine, which is neutral and polar, with tyrosine, which is neutral and polar, at codon 1958 of the FLNC protein (p.Asn1958Tyr). This variant is not present in population databases (gnomAD no frequency). This variant has not been reported in the literature in individuals affected with FLNC-related conditions. ClinVar contains an entry for this variant (Variation ID: 472116). Invitae Evidence Modeling of protein sequence and biophysical properties (such as structural, functional, and spatial information, amino acid conservation, physicochemical variation, residue mobility, and thermodynamic stability) has been performed for this missense variant. However, the output from this modeling did not meet the statistical confidence thresholds required to predict the impact of this variant on FLNC protein function. In summary, the available evidence is currently insufficient to determine the role of this variant in disease. Therefore, it has been classified as a Variant of Uncertain Significance.

NM_001458.5(FLNC):c.5872A>T (p.Asn1958Tyr)

Genes: FLNC (filamin C; plus strand), FLNC-AS1 (FLNC antisense RNA 1; minus strand). Cytogenetic location: 7q32.1.
Variant type: single nucleotide variant.
Coding change: c.5872A>T on transcript NM_001458.5 (MANE Select); coding-DNA position 5872, A replaced by T.
Protein change: p.Asn1958Tyr; replaces asparagine 1958 with tyrosine.
Molecular consequence: missense variant.
Genome position (GRCh38, 1-based): chr7:128,852,620, A>T. VCF-style: chr7-128852620-A-T. GRCh37 (hg19) VCF-style: chr7-128492674-A-T.
Other names: c.5773A>T, p.Asn1925Tyr (NM_001127487.2); short protein forms N1958Y, N1925Y.
Identifiers: ClinVar variation 472116 (VCV000472116.10), dbSNP rs567595947, ClinGen allele CA166189848.